The following is an entry in ClinVar:

ClinVar aggregate classification (germline): Uncertain significance. Review status: criteria provided, multiple submitters, no conflicts (2 of 4 stars). 2 submissions from 2 submitters: Uncertain significance (2). Last evaluated 2025-07-02.

Allele frequency attached by ClinVar (database versions not stated): gnomAD exomes below 0.00001 and 0.00003; ExAC 0.00003; ESP Exome Variant Server 0.00008; TOPMed 0.00008; gnomAD 0.00009.
gnomAD v4.1: 19 of 1,613,810 alleles (0.0012%); highest among the groups gnomAD compares: African/African-American, 0.024%; no homozygotes.

Submissions (2):

Ambry Genetics
Classification: Uncertain significance. Last evaluated: 2025-07-02. Review status: criteria provided, single submitter. Criteria: Ambry Variant Classification Scheme 2023. Collection method: clinical testing. Allele origin: germline.

Labcorp Genetics (formerly Invitae), Labcorp
Classification: Uncertain significance. Last evaluated: 2023-10-03. Review status: criteria provided, single submitter. Criteria: Invitae Variant Classification Sherloc (09022015). Collection method: clinical testing. Allele origin: germline.
Comment: This sequence change replaces threonine, which is neutral and polar, with isoleucine, which is neutral and non-polar, at codon 1506 of the RUSC2 protein (p.Thr1506Ile). This variant is present in population databases (rs375640022, gnomAD 0.04%). This variant has not been reported in the literature in individuals affected with RUSC2-related conditions. ClinVar contains an entry for this variant (Variation ID: 1436370). Experimental studies and prediction algorithms are not available or were not evaluated, and the functional significance of this variant is currently unknown. In summary, the available evidence is currently insufficient to determine the role of this variant in disease. Therefore, it has been classified as a Variant of Uncertain Significance.

NM_014806.5(RUSC2):c.4517C>T (p.Thr1506Ile)

Gene: RUSC2 (RUN and SH3 domain containing 2; plus strand). Cytogenetic location: 9p13.3.
Variant type: single nucleotide variant.
Coding change: c.4517C>T on transcript NM_014806.5 (MANE Select); coding-DNA position 4517, C replaced by T.
Protein change: p.Thr1506Ile; replaces threonine 1506 with isoleucine.
Molecular consequence: missense variant. On other transcripts: non-coding transcript variant (1).
Genome position (GRCh38, 1-based): chr9:35,561,348, C>T. VCF-style: chr9-35561348-C-T. GRCh37 (hg19) VCF-style: chr9-35561345-C-T.
Other names: c.4517C>T, p.Thr1506Ile (NM_001135999.2); c.1883C>T, p.Thr628Ile (NM_001330740.2); c.4517C>T (NM_001135999.1); short protein forms T628I, T1506I.
Identifiers: ClinVar variation 1436370 (VCV001436370.5), dbSNP rs375640022, ClinGen allele CA5044428.
Genomic context (GRCh38, chr9:35,561,348, plus strand): 5'-GCTGCAGCCGTGGCCCCGACTCTGGCCTGGTGCCCCTGGCCTACGTGACATTGACCCCAA[C>T]TCCAAGTCCAACCCCTGGAAGCAGCCAAAACTGAGGCCCTGTGCATGCTGGTGGCCTCAG-3'
Protein context (NP_055621.2, residues 1496-1516): VPLAYVTLTP[Thr1506Ile]PSPTPGSSQN